The following is an entry in ClinVar:

NM_001159773.2(CANT1):c.347_348del (p.Glu116fs)

Gene: CANT1 (calcium activated nucleotidase 1; minus strand). Cytogenetic location: 17q25.3.
Variant type: Microsatellite.
Coding change: c.347_348del on transcript NM_001159773.2 (MANE Select); coding-DNA positions 347 to 348, 2 bases deleted (AG; older notation c.347_348delAG).
Protein change: p.Glu116fs; shifts the reading frame from glutamic acid 116.
Molecular consequence: frameshift variant.
Genome position (GRCh38, 1-based): chr17:78,997,275-78,997,276, CT deleted on the plus strand (AG on the coding strand, the reverse complement: CANT1 is on the minus strand); deleting any 2 consecutive bases within chr17:78,997,275-78,997,278 gives the same sequence; the c. name uses the placement nearest the transcript's 3' end. VCF-style (leftmost placement, unchanged base first): chr17-78997274-ACT-A. GRCh37 (hg19) VCF-style: chr17-76993356-ACT-A.
Other names: c.347_348delAG (NM_001159773.1); c.347_348del, p.Glu116fs (NM_001159772.2, NM_138793.4); short protein forms E116fs.
Identifiers: ClinVar variation 2780153 (VCV002780153.4), dbSNP rs774522276, ClinGen allele CA8808747.

ClinVar aggregate classification (germline): Pathogenic. Review status: criteria provided, multiple submitters, no conflicts (2 of 4 stars). 2 submissions from 2 submitters: Pathogenic (2). Last evaluated 2023-12-21.

Conditions:
Desbuquois dysplasia 1 (DBQD1). Also called: DESBUQUOIS DYSPLASIA 1, KIM VARIANT; MICROMELIC DWARFISM WITH VERTEBRAL AND METAPHYSEAL ABNORMALITIES AND ADVANCED CARPOTARSAL OSSIFICATION. Identifiers: Orphanet 1425, MedGen C4012146, MONDO:0009629, OMIM 251450.

Submissions (2):

Victorian Clinical Genetics Services, Murdoch Childrens Research Institute
Classification: Pathogenic for Desbuquois dysplasia 1. Last evaluated: 2023-12-21. Review status: criteria provided, single submitter. Criteria: ACMG Guidelines, 2015. Collection method: clinical testing. Allele origin: germline. Inheritance: Autosomal recessive inheritance. Affected: no.
Comment: Based on the classification scheme VCGS_Germline_v1.3.4, this variant is classified as Pathogenic. Following criteria are met: 0102 - Loss of function is a known mechanism of disease in this gene and is associated with desbuquois dysplasia 1, (MIM#251450) and epiphyseal dysplasia, multiple, 7, (MIM#617719). (I) 0106 - This gene is associated with autosomal recessive disease. (I) 0201 - Variant is predicted to cause nonsense-mediated decay (NMD) and loss of protein (premature termination codon is located at least 54 nucleotides upstream of the final exon-exon junction). (SP) 0251 - This variant is heterozygous. (I) 0304 - Variant is present in gnomAD (v2) <0.01 for a recessive condition (2 heterozygotes, 0 homozygotes). (SP) 0701 - Other NMD-predicted variants comparable to the one identified in this case have very strong previous evidence for pathogenicity. These variants have been reported as likely pathogenic and pathogenic, and observed in homozygous or compound heterozygous individuals with desbuquois dysplasia or features including short limbs, dysmorphic features and growth failure (ClinVar, PMID: 34602954, PMID: 22539336). (SP) 0807 - This variant has no previous evidence of pathogenicity. (I) 0905 - No published segregation evidence has been identified for this variant. (I) 1007 - No published functional evidence has been identified for this variant. (I) Legend: (SP) - Supporting pathogenic, (I) - Information, (SB) - Supporting benign

Labcorp Genetics (formerly Invitae), Labcorp
Classification: Pathogenic. Last evaluated: 2023-10-11. Review status: criteria provided, single submitter. Criteria: Invitae Variant Classification Sherloc (09022015). Collection method: clinical testing. Allele origin: germline.
Comment: This sequence change creates a premature translational stop signal (p.Glu116Valfs*66) in the CANT1 gene. It is expected to result in an absent or disrupted protein product. Loss-of-function variants in CANT1 are known to be pathogenic (PMID: 19853239, 21037275, 22539336). This variant is present in population databases (rs774522276, gnomAD 0.006%). This variant has not been reported in the literature in individuals affected with CANT1-related conditions. For these reasons, this variant has been classified as Pathogenic.

Literature cited by the submitters: PubMed 22539336 (cited by Victorian Clinical Genetics Services, Murdoch Childrens Research Institute and Labcorp Genetics (formerly Invitae), Labcorp); PubMed 34602954 (cited by Victorian Clinical Genetics Services, Murdoch Childrens Research Institute); PubMed 19853239 (cited by Labcorp Genetics (formerly Invitae), Labcorp); PubMed 21037275 (cited by Labcorp Genetics (formerly Invitae), Labcorp).